The following is an entry in ClinVar:

NM_138348.6(OTULIN):c.143C>T (p.Pro48Leu)

Gene: OTULIN (OTU deubiquitinase with linear linkage specificity; plus strand). Cytogenetic location: 5p15.2.
Variant type: single nucleotide variant.
Coding change: c.143C>T on transcript NM_138348.6 (MANE Select); coding-DNA position 143, C replaced by T.
Protein change: p.Pro48Leu; replaces proline 48 with leucine.
Molecular consequence: missense variant.
Genome position (GRCh38, 1-based): chr5:14,664,968, C>T. VCF-style: chr5-14664968-C-T. GRCh37 (hg19) VCF-style: chr5-14665077-C-T.
Other names: short protein forms P48L.
Identifiers: ClinVar variation 1418485 (VCV001418485.3), dbSNP rs1735793137, ClinGen allele CA359242330.

ClinVar aggregate classification (germline): Uncertain significance (1 of 4 stars; one submission).

gnomAD v4.1: 5 of 1,088,170 alleles (0.00046%); highest among the groups gnomAD compares: African/African-American, 0.0017%; no homozygotes.

Submission:

Labcorp Genetics (formerly Invitae), Labcorp
Classification: Uncertain significance. Last evaluated: 2022-08-09. Review status: criteria provided, single submitter. Criteria: Invitae Variant Classification Sherloc (09022015). Collection method: clinical testing. Allele origin: germline.
Comment: This sequence change replaces proline, which is neutral and non-polar, with leucine, which is neutral and non-polar, at codon 48 of the OTULIN protein (p.Pro48Leu). This variant is not present in population databases (gnomAD no frequency). This variant has not been reported in the literature in individuals affected with OTULIN-related conditions. ClinVar contains an entry for this variant (Variation ID: 1418485). Algorithms developed to predict the effect of missense changes on protein structure and function (SIFT, PolyPhen-2, Align-GVGD) all suggest that this variant is likely to be tolerated. In summary, the available evidence is currently insufficient to determine the role of this variant in disease. Therefore, it has been classified as a Variant of Uncertain Significance.